The following is an entry in ClinVar:

NM_000312.4(PROC):c.322C>T (p.His108Tyr)

Gene: PROC (protein C, inactivator of coagulation factors Va and VIIIa; plus strand). Cytogenetic location: 2q14.3.
Variant type: single nucleotide variant.
Coding change: c.322C>T on transcript NM_000312.4 (MANE Select); coding-DNA position 322, C replaced by T.
Protein change: p.His108Tyr; replaces histidine 108 with tyrosine.
Molecular consequence: missense variant. On other transcripts: synonymous variant (1).
Genome position (GRCh38, 1-based): chr2:127,423,093, C>T. VCF-style: chr2-127423093-C-T. GRCh37 (hg19) VCF-style: chr2-128180669-C-T.
Other names: c.322C>T, p.His108Tyr (NM_001375605.1, NM_001375608.1, NM_001375611.1 and 1 more transcripts); c.477C>T, p.Gly159= (NM_001375606.1); c.406C>T, p.His136Tyr (NM_001375607.1); c.298C>T, p.His100Tyr (NM_001375609.1); c.316C>T, p.His106Tyr (NM_001375610.1); c.505C>T, p.His169Tyr (NM_001375602.1); c.385C>T, p.His129Tyr (NM_001375603.1, NM_001375604.1); short protein forms H100Y, H106Y, H108Y, H129Y, H136Y, H169Y.
Identifiers: ClinVar variation 4819680 (VCV004819680.1).
Genomic context (GRCh38, chr2:127,423,093, plus strand): 5'-GACGGTGACCAGTGCTTGGTCTTGCCCTTGGAGCACCCGTGCGCCAGCCTGTGCTGCGGG[C>T]ACGGCACGTGCATCGACGGCATCGGCAGCTTCAGCTGCGACTGCCGCAGCGGCTGGGAGG-3'
Protein context (NP_000303.1, residues 98-118): EHPCASLCCG[His108Tyr]GTCIDGIGSF

ClinVar aggregate classification (germline): Uncertain significance (1 of 4 stars; one submission).

Conditions:
Thrombophilia due to protein C deficiency, autosomal dominant. Also called: PROC DEFICIENCY, AUTOSOMAL DOMINANT; PROTEIN C DEFICIENCY, AUTOSOMAL DOMINANT. Identifiers: Orphanet 745, MedGen C2674321, MONDO:0008316, OMIM 176860. Disease mechanism: loss of function.

Submission:

Kasturba Medical College, Manipal, Kasturba Medical College, Manipal, Manipal Academy of Higher Education, Manipal, India
Classification: Uncertain significance for Thrombophilia due to protein C deficiency, autosomal dominant. Last evaluated: 2026-03-31. Review status: criteria provided, single submitter. Criteria: ACMG Guidelines, 2015. Collection method: research. Allele origin: biparental. Inheritance: Autosomal dominant inheritance. Affected: yes. Observed: 1 variant allele, 1 heterozygote.
Comment: This variant is present in heterozygous state in three individuals and absent in homozygous state in gnomAD database (v4.1.0). This variant is absent in our in-house data of 4019 exomes. In silico prediction tools (CADD_phred, REVEL) are consistent in predicting the variant to be damaging to the PROC protein function. Monoallelic variants in PROC are known to cause thrombophilia 3 due to protein C deficiency, autosomal dominant (MIM #176860). However, asymptomatic carriers have been reported with this condition (Miller et al., 2001). Hence, the above-mentioned variant in heterozygous state is of uncertain significance for the clinical findings observed in the proband.

Literature cited by the submitters: PubMed 10942114.